The following is an entry in ClinVar:

ClinVar aggregate classification (germline): Conflicting classifications of pathogenicity. Review status: criteria provided, conflicting classifications (1 of 4 stars). 8 submissions from 8 submitters: Uncertain significance (7); Likely benign (1). Last evaluated 2026-03-27.

Conditions:
Familial thoracic aortic aneurysm and aortic dissection (TAAD). Also called: Thoracic aortic aneurysms and dissections. Identifiers: Orphanet 91387, MedGen C4707243, MONDO:0019625.
Ehlers-Danlos syndrome, kyphoscoliotic type 1 (EDSKSCL1). Also called: Ehlers-Danlos syndrome, hydroxylysine-deficient; EHLERS-DANLOS SYNDROME, OCULAR-SCOLIOTIC TYPE; PLOD1-Related Kyphoscoliotic Ehlers-Danlos Syndrome; EHLERS-DANLOS SYNDROME, TYPE VIA. Identifiers: Orphanet 1900, MedGen C0268342, MONDO:0016002, OMIM 225400. Disease mechanism: loss of function.

Allele frequency attached by ClinVar (database versions not stated): ESP Exome Variant Server 0.00008; gnomAD exomes 0.00008 and 0.00010; gnomAD 0.00009; ExAC 0.00011; TOPMed 0.00011.
gnomAD v4.1: 175 of 1,612,846 alleles (0.011%); highest among the groups gnomAD compares: Middle Eastern, 0.054%; no homozygotes.

Submissions (8):

Molecular Diagnostic Laboratory for Inherited Cardiovascular Disease, Montreal Heart Institute
Classification: Likely benign. Last evaluated: 2026-03-27. Review status: criteria provided, single submitter. Criteria: ACMG Guidelines, 2015. Collection method: clinical testing. Allele origin: germline. Affected: no.
Comment: BS1;BP4

Women's Health and Genetics/Laboratory Corporation of America, LabCorp
Classification: Uncertain significance. Last evaluated: 2026-02-02. Review status: criteria provided, single submitter. Criteria: LabCorp Variant Classification Summary - May 2015. Collection method: clinical testing. Allele origin: germline.
Comment: Variant summary: PLOD1 c.1097C>T (p.Ala366Val) results in a non-conservative amino acid change in the encoded protein sequence. Algorithms developed to predict the effect of missense changes on protein structure and function are either unavailable or do not agree on the potential impact of this missense change. Several computational tools predict a significant impact on normal splicing: Three predict the variant weakens a 5' donor site and one predicts the variant has no significant impact on splicing. However, these predictions have yet to be confirmed by functional studies. The variant allele was found at a frequency of 8e-05 in 250316 control chromosomes. This frequency is not significantly higher than estimated for disease-causing variants in PLOD1, allowing no conclusion about variant significance. c.1097C>T has been observed in the heterozygous state in an individual with severe dental erosion and a history of multiple fractures at a young age (example: Wredenhagen_2023). This report does not provide unequivocal conclusions about association of the variant with Ehlers-Danlos syndrome, kyphoscoliotic type 1. To our knowledge, no experimental evidence demonstrating an impact on protein function has been reported. The following publication has been ascertained in the context of this evaluation (PMID: 37361548). ClinVar contains an entry for this variant (Variation ID: 459802). Based on the evidence outlined above, the variant was classified as uncertain significance.

Labcorp Genetics (formerly Invitae), Labcorp
Classification: Uncertain significance for Ehlers-Danlos syndrome, kyphoscoliotic type 1. Last evaluated: 2025-01-22. Review status: criteria provided, single submitter. Criteria: Invitae Variant Classification Sherloc (09022015). Collection method: clinical testing. Allele origin: germline.
Comment: This sequence change replaces alanine, which is neutral and non-polar, with valine, which is neutral and non-polar, at codon 366 of the PLOD1 protein (p.Ala366Val). This variant is present in population databases (rs377080927, gnomAD 0.02%). This variant has not been reported in the literature in individuals affected with PLOD1-related conditions. ClinVar contains an entry for this variant (Variation ID: 459802). Invitae Evidence Modeling of protein sequence and biophysical properties (such as structural, functional, and spatial information, amino acid conservation, physicochemical variation, residue mobility, and thermodynamic stability) indicates that this missense variant is not expected to disrupt PLOD1 protein function with a negative predictive value of 95%. In summary, the available evidence is currently insufficient to determine the role of this variant in disease. Therefore, it has been classified as a Variant of Uncertain Significance.

CeGaT Center for Human Genetics Tuebingen
Classification: Uncertain significance. Last evaluated: 2024-11-01. Review status: criteria provided, single submitter. Criteria: CeGaT Center For Human Genetics Tuebingen Variant Classification Criteria Version 2. Collection method: clinical testing. Allele origin: germline. Affected: yes. Observed: 1 variant allele.
Comment: PLOD1: PM2, BP4

Centre of Medical Genetics, University of Antwerp
Classification: Uncertain significance for Familial thoracic aortic aneurysm and aortic dissection. Last evaluated: 2024-09-06. Review status: criteria provided, single submitter. Criteria: ACMG Guidelines, 2015. Collection method: clinical testing. Allele origin: germline. Affected: yes.

GeneDx
Classification: Uncertain significance. Last evaluated: 2024-03-11. Review status: criteria provided, single submitter. Criteria: GeneDx Variant Classification Process June 2021. Collection method: clinical testing. Allele origin: germline. Affected: yes.
Comment: Not observed at significant frequency in large population cohorts (gnomAD); In silico analysis supports that this missense variant does not alter protein structure/function; Has not been previously published as pathogenic or benign to our knowledge

Ambry Genetics
Classification: Uncertain significance for Familial thoracic aortic aneurysm and aortic dissection. Last evaluated: 2023-11-21. Review status: criteria provided, single submitter. Criteria: Ambry Variant Classification Scheme 2023. Collection method: clinical testing. Allele origin: germline.
Comment: The p.A366V variant (also known as c.1097C>T), located in coding exon 10 of the PLOD1 gene, results from a C to T substitution at nucleotide position 1097. The alanine at codon 366 is replaced by valine, an amino acid with similar properties. However, this change occurs in the last base pair of coding exon 10 and may have some effect on normal mRNA splicing. This variant has been detected in the heterozygous state in an individual with severe dental erosion and multiple fractures (Wredenhagen MS et al. PNAS Nexus. 2023 Jun;2(6):pgad196). This nucleotide position is not well conserved in available vertebrate species. In silico splice site analysis for this alteration is inconclusive. This amino acid position is not well conserved in available vertebrate species. In addition, as a missense substitution this is predicted to be tolerated by in silico analysis. Since supporting evidence is limited at this time, the clinical significance of this alteration remains unclear.

Breakthrough Genomics
Classification: Uncertain significance. Review status: criteria provided, single submitter. Criteria: ACMG Guidelines, 2015. Collection method: not provided. Allele origin: germline. Inheritance: Autosomal recessive inheritance. Affected: yes.

Literature cited by the submitters: PubMed 37361548 (cited by Women's Health and Genetics/Laboratory Corporation of America, LabCorp).

NM_000302.4(PLOD1):c.1097C>T (p.Ala366Val)

Gene: PLOD1 (procollagen-lysine,2-oxoglutarate 5-dioxygenase 1; plus strand). Cytogenetic location: 1p36.22.
Variant type: single nucleotide variant.
Coding change: c.1097C>T on transcript NM_000302.4 (MANE Select); coding-DNA position 1097, C replaced by T.
Protein change: p.Ala366Val; replaces alanine 366 with valine.
Molecular consequence: missense variant.
Genome position (GRCh38, 1-based): chr1:11,960,767, C>T. VCF-style: chr1-11960767-C-T. GRCh37 (hg19) VCF-style: chr1-12020824-C-T.
Other names: c.1238C>T, p.Ala413Val (NM_001316320.2); short protein forms A366V, A413V.
Identifiers: ClinVar variation 459802 (VCV000459802.31), dbSNP rs377080927, ClinGen allele CA598259.